The following is an entry in ClinVar:

ClinVar aggregate classification (germline): Uncertain significance (1 of 4 stars; one submission).

Conditions:
Congenital heart defects and skeletal malformations syndrome. Identifiers: Orphanet 643503, MedGen C4539857, MONDO:0060532, OMIM 617602.

Allele frequency attached by ClinVar (database versions not stated): gnomAD exomes below 0.00001; gnomAD 0.00001; TOPMed 0.00002.
gnomAD v4.1: 4 of 1,613,928 alleles (0.00025%); highest among the groups gnomAD compares: African/African-American, 0.0027%; no homozygotes.

Submission:

Baylor Genetics
Classification: Uncertain significance for Congenital heart defects and skeletal malformations syndrome. Last evaluated: 2018-10-18. Review status: criteria provided, single submitter. Criteria: ACMG Guidelines, 2015. Collection method: clinical testing. Allele origin: maternal. Affected: yes.
Comment: This variant was determined to be of uncertain significance according to ACMG Guidelines, 2015 [PMID:25741868].

NM_005157.6(ABL1):c.635C>T (p.Thr212Met)

Gene: ABL1 (ABL proto-oncogene 1, non-receptor tyrosine kinase; plus strand). Cytogenetic location: 9q34.12.
Variant type: single nucleotide variant.
Coding change: c.635C>T on transcript NM_005157.6 (MANE Select); coding-DNA position 635, C replaced by T.
Protein change: p.Thr212Met; replaces threonine 212 with methionine.
Molecular consequence: missense variant.
Genome position (GRCh38, 1-based): chr9:130,862,848, C>T. VCF-style: chr9-130862848-C-T. GRCh37 (hg19) VCF-style: chr9-133738235-C-T.
Other names: c.692C>T, p.Thr231Met (NM_007313.3); short protein forms T231M, T212M.
Identifiers: ClinVar variation 1034374 (VCV001034374.1), dbSNP rs909306692, ClinGen allele CA200680473.